The following is an entry in ClinVar:

NM_015378.4(VPS13D):c.6308A>C (p.Gln2103Pro)

Gene: VPS13D (vacuolar protein sorting 13 homolog D; plus strand). Cytogenetic location: 1p36.22.
Variant type: single nucleotide variant.
Coding change: c.6308A>C on transcript NM_015378.4 (MANE Select); coding-DNA position 6308, A replaced by C.
Protein change: p.Gln2103Pro; replaces glutamine 2103 with proline.
Molecular consequence: missense variant.
Genome position (GRCh38, 1-based): chr1:12,304,597, A>C. VCF-style: chr1-12304597-A-C. GRCh37 (hg19) VCF-style: chr1-12364654-A-C.
Other names: c.6308A>C, p.Gln2103Pro (NM_018156.4); short protein forms Q2103P.
Identifiers: ClinVar variation 1949216 (VCV001949216.5), dbSNP rs772392902, ClinGen allele CA18061545.

ClinVar aggregate classification (germline): Uncertain significance (1 of 4 stars; one submission).

gnomAD v4.1: 10 of 1,614,036 alleles (0.00062%); highest among the groups gnomAD compares: Non-Finnish European, 0.00085%; no homozygotes.

Submission:

Labcorp Genetics (formerly Invitae), Labcorp
Classification: Uncertain significance. Last evaluated: 2022-08-13. Review status: criteria provided, single submitter. Criteria: Invitae Variant Classification Sherloc (09022015). Collection method: clinical testing. Allele origin: germline.
Comment: This sequence change replaces glutamine, which is neutral and polar, with proline, which is neutral and non-polar, at codon 2103 of the VPS13D protein (p.Gln2103Pro). In summary, the available evidence is currently insufficient to determine the role of this variant in disease. Therefore, it has been classified as a Variant of Uncertain Significance. Algorithms developed to predict the effect of missense changes on protein structure and function are either unavailable or do not agree on the potential impact of this missense change (SIFT: "Not Available"; PolyPhen-2: "Benign"; Align-GVGD: "Not Available"). This variant has not been reported in the literature in individuals affected with VPS13D-related conditions. This variant is present in population databases (no rsID available, gnomAD 0.0009%).